The following is an entry in ClinVar:

NM_001875.5(CPS1):c.2944G>A (p.Gly982Ser)

Gene: CPS1 (carbamoyl-phosphate synthase 1; plus strand). Cytogenetic location: 2q34.
Variant type: single nucleotide variant.
Coding change: c.2944G>A on transcript NM_001875.5 (MANE Select); coding-DNA position 2944, G replaced by A.
Protein change: p.Gly982Ser; replaces glycine 982 with serine.
Molecular consequence: missense variant. On other transcripts: non-coding transcript variant (2).
Genome position (GRCh38, 1-based): chr2:210,640,044, G>A. VCF-style: chr2-210640044-G-A. GRCh37 (hg19) VCF-style: chr2-211504768-G-A.
Other names: c.2944G>A, p.Gly982Ser (NM_001122633.3, NM_001369257.1); c.2977G>A, p.Gly993Ser (NM_001369256.1); c.2944G>A (LRG_336t1); short protein forms G982S, G993S.
Identifiers: ClinVar variation 554173 (VCV000554173.4), dbSNP rs757059355, ClinGen allele CA2086803.

ClinVar aggregate classification (germline): Uncertain significance. Review status: criteria provided, multiple submitters, no conflicts (2 of 4 stars). 3 submissions from 3 submitters: Uncertain significance (2). 1 of the submissions does not count toward it. Last evaluated 2025-09-26.

Conditions:
Congenital hyperammonemia, type I. Also called: Carbamoyl phosphate synthetase I deficiency disease; Carbamoyl-phosphate synthase I deficiency; CPS I DEFICIENCY; Carbamoyl phosphate synthetase 1 deficiency; Hyperammonemia due to carbamoyl phosphate synthetase 1 deficiency; CPS 1 deficiency. Identifiers: Orphanet 147, MedGen C4082171, MONDO:0009376, OMIM 237300.

Allele frequency attached by ClinVar (database versions not stated): gnomAD exomes 0.00001; ExAC 0.00002.
gnomAD v4.1: 5 of 1,606,444 alleles (0.00031%); highest among the groups gnomAD compares: Non-Finnish European, 0.00034%; no homozygotes.

Submissions (3):

Myriad Genetics, Inc.
Classification: Uncertain significance for Congenital hyperammonemia, type I. Last evaluated: 2025-09-26. Review status: criteria provided, single submitter. Criteria: Myriad Autosomal Dominant, Autosomal Recessive and X-Linked Classification Criteria (2023). Collection method: clinical testing. Allele origin: unknown.
Comment: NM_001875.4(CPS1):c.2944G>A(G982S) is a missense variant classified as a variant of uncertain significance in the context of carbamoylphosphate synthetase I deficiency. G982S has been observed in a case with relevant disease (PMID: 16737834). Relevant functional assessments of this variant are not available in the literature. G982S has been observed in referenced population frequency databases. In summary, there is insufficient evidence to classify NM_001875.4(CPS1):c.2944G>A(G982S) as pathogenic or benign. Please note: this variant was assessed in the context of healthy population screening.

Women's Health and Genetics/Laboratory Corporation of America, LabCorp
Classification: Uncertain significance. Last evaluated: 2025-09-04. Review status: criteria provided, single submitter. Criteria: LabCorp Variant Classification Summary - May 2015. Collection method: clinical testing. Allele origin: germline.
Comment: Variant summary: CPS1 c.2944G>A (p.Gly982Ser) results in a non-conservative amino acid change in the encoded protein sequence. Algorithms developed to predict the effect of missense changes on protein structure and function all suggest that this variant is likely to be disruptive. The variant allele was found at a frequency of 8e-06 in 251076 control chromosomes (gnomAD). The available data on variant occurrences in the general population are insufficient to allow any conclusion about variant significance. c.2944G>A has been observed in an individual(s) affected with Carbamoylphosphate Synthetase I Deficiency (e.g., Eeds_2006). These reports do not provide unequivocal conclusions about association of the variant with Carbamoylphosphate Synthetase I Deficiency. A different variant affecting the same codon has been classified as likely pathogenic by our lab (c.2945G>A, p.Gly982Asp), supporting the critical relevance of codon 982 to CPS1 protein function. To our knowledge, no experimental evidence demonstrating an impact on protein function has been reported. The following publications have been ascertained in the context of this evaluation (PMID: 33726816, 16737834). ClinVar contains an entry for this variant (Variation ID: 554173). Based on the evidence outlined above, the variant was classified as uncertain significance.

Counsyl
Classification: Uncertain significance for Congenital hyperammonemia, type I. Last evaluated: 2017-09-28. Review status: no assertion criteria provided. Collection method: clinical testing. Allele origin: unknown. Not counted in ClinVar's aggregate classification.

Literature cited by the submitters: PubMed 16737834 (cited by 3 submitters); PubMed 33726816 (cited by Women's Health and Genetics/Laboratory Corporation of America, LabCorp).